The following is an entry in ClinVar:

ClinVar aggregate classification (germline): Conflicting classifications of pathogenicity. Review status: criteria provided, conflicting classifications (1 of 4 stars). 3 submissions from 3 submitters: Uncertain significance (1); Likely benign (1). 1 of the submissions does not count toward it. Last evaluated 2021-10-20.

Conditions:
Inborn genetic diseases. Identifiers: MedGen C0950123, MeSH D030342.
Premature ovarian failure 5 (POF5). Identifiers: MedGen C1969060, MONDO:0012689, OMIM 611548.

Allele frequency attached by ClinVar (database versions not stated): gnomAD 0.00001 and 0.00018; TOPMed 0.00003; 1000 Genomes Project 0.00060; gnomAD exomes 0.00078; 1000 Genomes Project 30x 0.00094; ExAC 0.00136.
gnomAD v4.1: 398 of 1,536,672 alleles (0.026%); highest among the groups gnomAD compares: South Asian, 0.44%; 5 homozygotes.

Submissions (3):

Ambry Genetics
Classification: Uncertain significance for Inborn genetic diseases. Last evaluated: 2021-10-20. Review status: criteria provided, single submitter. Criteria: Ambry Variant Classification Scheme 2023. Collection method: clinical testing. Allele origin: germline.

Illumina Laboratory Services, Illumina
Classification: Likely benign for Premature ovarian failure 5. Last evaluated: 2018-01-13. Review status: criteria provided, single submitter. Criteria: ICSL Variant Classification Criteria 13 December 2019. Collection method: clinical testing. Allele origin: germline.
Comment: This variant was observed in the ICSL laboratory as part of a predisposition screen in an ostensibly healthy population. It had not been previously curated by ICSL or reported in the Human Gene Mutation Database (HGMD: prior to June 1st, 2018), and was therefore a candidate for classification through an automated scoring system. Utilizing variant allele frequency, disease prevalence and penetrance estimates, and inheritance mode, an automated score was calculated to assess if this variant is too frequent to cause the disease. Based on the score and internal cut-off values, a variant classified as likely benign is not then subjected to further curation. The score for this variant resulted in a classification of likely benign for this disease.

Department of Pathology and Laboratory Medicine, Sinai Health System
Classification: Uncertain significance. Review status: no assertion criteria provided. Collection method: clinical testing. Allele origin: unknown. Affected: yes. Study: The Canadian Open Genetics Repository (COGR). Not counted in ClinVar's aggregate classification.
Comment: The NOBOX p.Pro516Ser variant was not identified in the literature nor was it identified in LOVD 3.0. The variant was identified in dbSNP (ID: rs531662858) and ClinVar (classified as likely benign by Illumina). The variant was identified in control databases in 110 of 171224 chromosomes (2 homozygous) at a frequency of 0.0006424 increasing the likelihood this could be a low frequency benign variant (Genome Aggregation Database March 6, 2019, v2.1.1). The variant was observed in the following populations: South Asian in 108 of 22730 chromosomes (freq: 0.004751) and Latino in 2 of 25426 chromosomes (freq: 0.000079), but was not observed in the African, Ashkenazi Jewish, East Asian, European (Finnish), European (non-Finnish) or Other populations. The p.Pro516 residue is not conserved in mammals and four out of five computational analyses (PolyPhen-2, SIFT, AlignGVGD, BLOSUM, MutationTaster) do not suggest a high likelihood of impact to the protein; however, this information is not predictive enough to rule out pathogenicity. The variant occurs outside of the splicing consensus sequence and in silico or computational prediction software programs (SpliceSiteFinder, MaxEntScan, NNSPLICE, GeneSplicer) do not predict a difference in splicing. In summary, based on the above information the clinical significance of this variant cannot be determined with certainty at this time. This variant is classified as a variant of uncertain significance.

NM_001436401.1(NOBOX):c.1195C>T (p.Pro399Ser)

Gene: NOBOX (NOBOX oogenesis homeobox; minus strand). Cytogenetic location: 7q35.
Variant type: single nucleotide variant.
Coding change: c.1195C>T on transcript NM_001436401.1 (MANE Select); coding-DNA position 1195, C replaced by T.
Protein change: p.Pro399Ser; replaces proline 399 with serine.
Molecular consequence: missense variant.
Genome position (GRCh38, 1-based): chr7:144,398,510, G>A on the plus strand (C>T on the coding strand, the complement: NOBOX is on the minus strand). VCF-style: chr7-144398510-G-A. GRCh37 (hg19) VCF-style: chr7-144095603-G-A.
Other names: NM_001080413.3:c.1546C>T; c.643C>T, p.Pro215Ser (NM_001436402.1); short protein forms P215S, P399S.
Identifiers: ClinVar variation 359140 (VCV000359140.8), dbSNP rs531662858, ClinGen allele CA4544529.